The following is an entry in ClinVar:

NM_001201543.2(FAM161A):c.1458_1459insGGCCGGGCGCGGTGGCTCACGCCTGTAATCCCAGCACTTTGGGAGGCCGAGGCGGGCGGATCACGAGGTCNNNNNNNNNNAAAAAAAAAAAAAAAAAAAAAAAAGAAACA (p.Arg487fs)

Gene: FAM161A (FAM161 centrosomal protein A; minus strand). Cytogenetic location: 2p15.
Variant type: Insertion.
Coding change: c.1458_1459insGGCCGGGCGCGGTGGCTCACGCCTGTAATCCCAGCACTTTGGGAGGCCGAGGCGGGCGGATCACGAGGTCNNNNNNNNNNAAAAAAAAAAAAAAAAAAAAAAAAGAAACA on transcript NM_001201543.2 (MANE Select); coding-DNA positions 1458 to 1459, GGCCGGGCGCGGTGGCTCACGCCTGTAATCCCAGCACTTTGGGAGGCCGAGGCGGGCGGATCACGAGGTCNNNNNNNNNNAAAAAAAAAAAAAAAAAAAAAAAAGAAACA inserted.
Protein change: p.Arg487fs; shifts the reading frame from arginine 487.
Molecular consequence: frameshift variant. On other transcripts: non-coding transcript variant (1).
Genome position: GRCh38: chr2:61,839,555-61,839,556. GRCh37 (hg19): chr2:62,066,690-62,066,691.
Other names: c.1458_1459insGGCCGGGCGCGGTGGCTCACGCCTGTAATCCCAGCACTTTGGGAGGCCGAGGCGGGCGGATCACGAGGTCNNNNNNNNNNAAAAAAAAAAAAAAAAAAAAAAAAGAAACA, p.Arg487fs (NM_032180.3); short protein forms R487fs.
Identifiers: ClinVar variation 2134594 (VCV002134594.4), dbSNP rs2466022812.

ClinVar aggregate classification (germline): Pathogenic (1 of 4 stars; one submission).

Submission:

Labcorp Genetics (formerly Invitae), Labcorp
Classification: Pathogenic. Last evaluated: 2022-06-26. Review status: criteria provided, single submitter. Criteria: Invitae Variant Classification Sherloc (09022015). Collection method: clinical testing. Allele origin: germline.
Comment: For these reasons, this variant has been classified as Pathogenic. This sequence change inserts a large fragment of DNA, likely a transposable element, in exon 3 of the FAM161A gene (c.1458_1459ins?), causing a frameshift at codon 487 (p.Arg487fs). The exact size and sequence of the insertion cannot be determined by the current assay. However, the insertion is expected to result in an absent or disrupted protein product. This variant is not present in population databases (gnomAD no frequency). This variant has not been reported in the literature in individuals affected with FAM161A-related conditions. Retrotransposon insertions including LINE1 (L1), Alu, and SVA (SINE-VNTR-Alu) have been reported to be disease-causing through disruption of either a coding region or splice site (PMID: 19763152, 20307669, 22406018) and loss-of-function variants in FAM161A are known to be pathogenic (PMID: 20705278, 20705279, 24651477).

Literature cited by the submitters: PubMed 19763152; PubMed 20307669; PubMed 22406018; PubMed 20705278; PubMed 20705279; PubMed 24651477.